The following is an entry in ClinVar:

ClinVar aggregate classification (germline): Uncertain significance (1 of 4 stars; one submission).

Conditions:
Hereditary cancer-predisposing syndrome. Also called: Neoplastic Syndromes, Hereditary; Tumor predisposition; Hereditary neoplastic syndrome; Hereditary Cancer Syndrome. Identifiers: Orphanet 140162, MedGen C0027672, MeSH D009386, MONDO:0015356.

Submission:

Ambry Genetics
Classification: Uncertain significance for Hereditary cancer-predisposing syndrome. Last evaluated: 2025-08-29. Review status: criteria provided, single submitter. Criteria: Ambry Variant Classification Scheme 2023. Collection method: clinical testing. Allele origin: germline.
Comment: The p.S113T variant (also known as c.338G>C), located in coding exon 2 of the FLCN gene, results from a G to C substitution at nucleotide position 338. The serine at codon 113 is replaced by threonine, an amino acid with similar properties. This amino acid position is conserved. In addition, this alteration is predicted to be tolerated by in silico analysis. Since supporting evidence is limited at this time, the clinical significance of this alteration remains unclear.

NM_144997.7(FLCN):c.338G>C (p.Ser113Thr)

Gene: FLCN (folliculin; minus strand). Cytogenetic location: 17p11.2.
Variant type: single nucleotide variant.
Coding change: c.338G>C on transcript NM_144997.7 (MANE Select); coding-DNA position 338, G replaced by C.
Protein change: p.Ser113Thr; replaces serine 113 with threonine.
Molecular consequence: missense variant.
Genome position (GRCh38, 1-based): chr17:17,226,234, C>G on the plus strand (G>C on the coding strand, the complement: FLCN is on the minus strand). VCF-style: chr17-17226234-C-G. GRCh37 (hg19) VCF-style: chr17-17129548-C-G.
Other names: c.338G>C, p.Ser113Thr (NM_001353229.2, NM_001353230.2, NM_001353231.2 and 1 more transcripts); short protein forms S113T.
Identifiers: ClinVar variation 2451821 (VCV002451821.3), dbSNP rs2544281074, ClinGen allele CA398534803.
Genomic context (GRCh38, chr17:17,226,234, plus strand): 5'-ACCTCACAGCTCAGGCTCCGGACACAGGCCTGGCGGACAATGCTGAAGAGCTGGGGGTGG[C>G]TGGGGTGCTGGTGGCTGACGTATTTAATGGAGGTCTCTTTATCATGGCTGATATATCCCG-3'
Protein context (NP_659434.2, residues 103-123): SIKYVSHQHP[Ser113Thr]HPQLFSIVRQ